The following is an entry in ClinVar:

NM_020812.4(DOCK6):c.793T>C (p.Cys265Arg)

Gene: DOCK6 (dedicator of cytokinesis 6; minus strand). Cytogenetic location: 19p13.2.
Variant type: single nucleotide variant.
Coding change: c.793T>C on transcript NM_020812.4 (MANE Select); coding-DNA position 793, T replaced by C.
Protein change: p.Cys265Arg; replaces cysteine 265 with arginine.
Molecular consequence: missense variant.
Genome position (GRCh38, 1-based): chr19:11,248,079, A>G on the plus strand (T>C on the coding strand, the complement: DOCK6 is on the minus strand). VCF-style: chr19-11248079-A-G. GRCh37 (hg19) VCF-style: chr19-11358755-A-G.
Other names: c.793T>C, p.Cys265Arg (NM_001367830.1); short protein forms C265R.
Identifiers: ClinVar variation 2111540 (VCV002111540.4), dbSNP rs1405107375, ClinGen allele CA404113787.

ClinVar aggregate classification (germline): Uncertain significance (1 of 4 stars; one submission).

Allele frequency attached by ClinVar (database versions not stated): gnomAD exomes below 0.00001; TOPMed below 0.00001; gnomAD 0.00001.
gnomAD v4.1: 4 of 1,612,262 alleles (0.00025%); highest among the groups gnomAD compares: African/African-American, 0.004%; no homozygotes.

Submission:

Labcorp Genetics (formerly Invitae), Labcorp
Classification: Uncertain significance. Last evaluated: 2022-03-14. Review status: criteria provided, single submitter. Criteria: Invitae Variant Classification Sherloc (09022015). Collection method: clinical testing. Allele origin: germline.
Comment: In summary, the available evidence is currently insufficient to determine the role of this variant in disease. Therefore, it has been classified as a Variant of Uncertain Significance. Algorithms developed to predict the effect of missense changes on protein structure and function are either unavailable or do not agree on the potential impact of this missense change (SIFT: "Deleterious"; PolyPhen-2: "Probably Damaging"; Align-GVGD: "Class C0"). This variant has not been reported in the literature in individuals affected with DOCK6-related conditions. This variant is present in population databases (no rsID available, gnomAD 0.007%). This sequence change replaces cysteine, which is neutral and slightly polar, with arginine, which is basic and polar, at codon 265 of the DOCK6 protein (p.Cys265Arg).